The following is an entry in ClinVar:

NM_007348.4(ATF6):c.677C>A (p.Ala226Glu)

Gene: ATF6 (activating transcription factor 6; plus strand). Cytogenetic location: 1q23.3.
Variant type: single nucleotide variant.
Coding change: c.677C>A on transcript NM_007348.4 (MANE Select); coding-DNA position 677, C replaced by A.
Protein change: p.Ala226Glu; replaces alanine 226 with glutamic acid.
Molecular consequence: missense variant.
Genome position (GRCh38, 1-based): chr1:161,792,316, C>A. VCF-style: chr1-161792316-C-A. GRCh37 (hg19) VCF-style: chr1-161762106-C-A.
Other names: short protein forms A226E.
Identifiers: ClinVar variation 1031735 (VCV001031735.2), dbSNP rs1386210791, ClinGen allele CA343386860.
Genomic context (GRCh38, chr1:161,792,316, plus strand): 5'-AGACAGTACCAACGCTTATGCCATTGGCAAAGCAGCAACCAATTATCAGTTTACAACCTG[C>A]ACCCACTAAAGGTACCTGAGCAGAATTTAAGGCTGTGTAAATTTATTTGGAGGGCAGTAA-3'
Protein context (NP_031374.2, residues 216-236): KQQPIISLQP[Ala226Glu]PTKGQTVLLS

ClinVar aggregate classification (germline): Uncertain significance. Review status: criteria provided, multiple submitters, no conflicts (2 of 4 stars). 2 submissions from 2 submitters: Uncertain significance (2). Last evaluated 2024-12-25.

Conditions:
Inborn genetic diseases. Identifiers: MedGen C0950123, MeSH D030342.
Achromatopsia 7 (ACHM7). Identifiers: Orphanet 49382, MedGen C4225297, MONDO:0014677, OMIM 616517.

Allele frequency attached by ClinVar (database versions not stated): TOPMed 0.00002; gnomAD 0.00001; gnomAD exomes below 0.00001.
gnomAD v4.1: 1 of 1,613,554 alleles (0.000062%); highest among the groups gnomAD compares: African/African-American, 0.0013%; no homozygotes.

Submissions (2):

Ambry Genetics
Classification: Uncertain significance for Inborn genetic diseases. Last evaluated: 2024-12-25. Review status: criteria provided, single submitter. Criteria: Ambry Variant Classification Scheme 2023. Collection method: clinical testing. Allele origin: germline.

Baylor Genetics
Classification: Uncertain significance for Achromatopsia 7. Last evaluated: 2018-11-11. Review status: criteria provided, single submitter. Criteria: ACMG Guidelines, 2015. Collection method: clinical testing. Allele origin: paternal. Affected: yes.
Comment: This variant was determined to be of uncertain significance according to ACMG Guidelines, 2015 [PMID:25741868].